The following is an entry in ClinVar:

NM_000057.4(BLM):c.2267_2268del (p.Lys756fs)

Gene: BLM (BLM RecQ like helicase; plus strand). Cytogenetic location: 15q26.1.
Variant type: Deletion.
Coding change: c.2267_2268del on transcript NM_000057.4 (MANE Select); coding-DNA positions 2267 to 2268, 2 bases deleted (AA; older notation c.2267_2268delAA).
Protein change: p.Lys756fs; shifts the reading frame from lysine 756.
Molecular consequence: frameshift variant.
Genome position (GRCh38, 1-based): chr15:90,766,983-90,766,984, AA deleted; deleting any 2 consecutive bases within chr15:90,766,978-90,766,984 gives the same sequence; the c. name uses the placement nearest the transcript's 3' end. VCF-style (leftmost placement, unchanged base first): chr15-90766977-CAA-C. GRCh37 (hg19) VCF-style: chr15-91310207-CAA-C.
Other names: c.2267_2268del, p.Lys756fs (NM_001287246.2, NM_001287247.2); c.1142_1143del, p.Lys381fs (NM_001287248.2); short protein forms K756fs, K381fs.
Identifiers: ClinVar variation 3657236 (VCV003657236.2).

ClinVar aggregate classification (germline): Pathogenic (1 of 4 stars; one submission).

Conditions:
Bloom syndrome (BLM). Also called: Bloom-Torre-Machacek syndrome. Identifiers: Orphanet 125, MedGen C0005859, MONDO:0008876, OMIM 210900.

Submission:

Labcorp Genetics (formerly Invitae), Labcorp
Classification: Pathogenic for Bloom syndrome. Last evaluated: 2024-06-21. Review status: criteria provided, single submitter. Criteria: Invitae Variant Classification Sherloc (09022015). Collection method: clinical testing. Allele origin: germline.
Comment: This sequence change creates a premature translational stop signal (p.Lys756Argfs*18) in the BLM gene. It is expected to result in an absent or disrupted protein product. Loss-of-function variants in BLM are known to be pathogenic (PMID: 17407155). This variant is not present in population databases (gnomAD no frequency). This variant has not been reported in the literature in individuals affected with BLM-related conditions. For these reasons, this variant has been classified as Pathogenic.

Literature cited by the submitters: PubMed 17407155.